The following is an entry in ClinVar:

NM_016553.5(NUP62):c.581C>T (p.Thr194Met)

Genes: IL4I1 (interleukin 4 induced 1; minus strand), NUP62 (nucleoporin 62; minus strand). Cytogenetic location: 19q13.33.
Variant type: single nucleotide variant.
Coding change: c.581C>T on transcript NM_016553.5 (MANE Select); coding-DNA position 581, C replaced by T.
Protein change: p.Thr194Met; replaces threonine 194 with methionine.
Molecular consequence: missense variant. On other transcripts: intron variant (3).
Genome position (GRCh38, 1-based): chr19:49,909,227, G>A on the plus strand (C>T on the coding strand, the complement: NUP62 is on the minus strand). VCF-style: chr19-49909227-G-A. GRCh37 (hg19) VCF-style: chr19-50412484-G-A.
Other names: c.581C>T, p.Thr194Met (NM_001193357.2, NM_012346.5, NM_153718.4 and 1 more transcripts); c.-227-4906C>T (NM_001258017.2, NM_172374.3); c.-285-4906C>T (NM_001258018.2); short protein forms T194M.
Identifiers: ClinVar variation 1368455 (VCV001368455.8), dbSNP rs767155802, ClinGen allele CA9589105.

ClinVar aggregate classification (germline): Uncertain significance (1 of 4 stars; one submission).

Allele frequency attached by ClinVar (database versions not stated): TOPMed 0.00007; gnomAD 0.00005 and 0.00006; gnomAD exomes 0.00006 and 0.00008; ExAC 0.00005.
gnomAD v4.1: 123 of 1,614,034 alleles (0.0076%); highest among the groups gnomAD compares: Middle Eastern, 0.033%; 1 homozygote.

Submission:

Labcorp Genetics (formerly Invitae), Labcorp
Classification: Uncertain significance. Last evaluated: 2025-10-21. Review status: criteria provided, single submitter. Criteria: Invitae Variant Classification Sherloc (09022015). Collection method: clinical testing. Allele origin: germline.
Comment: This sequence change replaces threonine, which is neutral and polar, with methionine, which is neutral and non-polar, at codon 194 of the NUP62 protein (p.Thr194Met). This variant is present in population databases (rs767155802, gnomAD 0.01%). This variant has not been reported in the literature in individuals affected with NUP62-related conditions. ClinVar contains an entry for this variant (Variation ID: 1368455). An algorithm developed to predict the effect of missense changes on protein structure and function (PolyPhen-2) suggests that this variant is likely to be disruptive. In summary, the available evidence is currently insufficient to determine the role of this variant in disease. Therefore, it has been classified as a Variant of Uncertain Significance.